The following is an entry in ClinVar:

ClinVar aggregate classification (germline): Conflicting classifications of pathogenicity. Review status: criteria provided, conflicting classifications (1 of 4 stars). 2 submissions from 2 submitters: Uncertain significance (1); Likely benign (1). Last evaluated 2026-07-01.

gnomAD v4.1: 69 of 1,528,868 alleles (0.0045%); highest among the groups gnomAD compares: South Asian, 0.079%; 2 homozygotes.

Submissions (2):

CeGaT Center for Human Genetics Tuebingen
Classification: Likely benign. Last evaluated: 2026-07-01. Review status: criteria provided, single submitter. Criteria: CeGaT Center For Human Genetics Tuebingen Variant Classification Criteria Version 2. Collection method: clinical testing. Allele origin: germline. Affected: yes. Observed: 1 variant allele.
Comment: FOXRED1: BS2

Blueprint Genetics
Classification: Uncertain significance. Last evaluated: 2024-11-22. Review status: criteria provided, single submitter. Criteria: ACMG Guidelines, 2015. Collection method: clinical testing. Allele origin: germline.

NM_017547.4(FOXRED1):c.961C>T (p.Pro321Ser)

Gene: FOXRED1 (FAD dependent oxidoreductase domain containing 1; plus strand). Cytogenetic location: 11q24.2.
Variant type: single nucleotide variant.
Coding change: c.961C>T on transcript NM_017547.4 (MANE Select); coding-DNA position 961, C replaced by T.
Protein change: p.Pro321Ser; replaces proline 321 with serine.
Molecular consequence: missense variant. On other transcripts: non-coding transcript variant (3).
Genome position (GRCh38, 1-based): chr11:126,276,209, C>T. VCF-style: chr11-126276209-C-T. GRCh37 (hg19) VCF-style: chr11-126146104-C-T.
Other names: c.991C>T, p.Pro331Ser (NM_001425160.1); c.961C>T, p.Pro321Ser (NM_001425161.1, NM_001425163.1, NM_001425165.1 and 1 more transcripts); c.958C>T, p.Pro320Ser (NM_001425164.1); c.859C>T, p.Pro287Ser (NM_001425167.1); c.451C>T, p.Pro151Ser (NM_001425168.1, NM_001425169.1, NM_001425170.1); c.400C>T, p.Pro134Ser (NM_001425171.1, NM_001425172.1); c.328C>T, p.Pro110Ser (NM_001425173.1, NM_001425174.1, NM_001425175.1); short protein forms P110S, P134S, P287S, P331S, P151S, P320S, P321S.
Identifiers: ClinVar variation 4914790 (VCV004914790.2).